The following is an entry in ClinVar:

NM_001211.6(BUB1B):c.1935T>A (p.Asp645Glu)

Gene: BUB1B (BUB1 mitotic checkpoint serine/threonine kinase B; plus strand). Cytogenetic location: 15q15.1.
Variant type: single nucleotide variant.
Coding change: c.1935T>A on transcript NM_001211.6 (MANE Select); coding-DNA position 1935, T replaced by A.
Protein change: p.Asp645Glu; replaces aspartic acid 645 with glutamic acid.
Molecular consequence: missense variant.
Genome position (GRCh38, 1-based): chr15:40,206,384, T>A. VCF-style: chr15-40206384-T-A. GRCh37 (hg19) VCF-style: chr15-40498585-T-A.
Other names: short protein forms D645E.
Identifiers: ClinVar variation 3221367 (VCV003221367.1), dbSNP rs2037637154, ClinGen allele CA391692715.

ClinVar aggregate classification (germline): Uncertain significance (1 of 4 stars; one submission).

Conditions:
Inborn genetic diseases. Identifiers: MedGen C0950123, MeSH D030342.

gnomAD v4.1: 5 of 1,614,204 alleles (0.00031%); highest among the groups gnomAD compares: Non-Finnish European, 0.00042%; no homozygotes.

Submission:

Ambry Genetics
Classification: Uncertain significance for Inborn genetic diseases. Last evaluated: 2023-11-23. Review status: criteria provided, single submitter. Criteria: Ambry Variant Classification Scheme 2023. Collection method: clinical testing. Allele origin: germline.
Comment: The p.D645E variant (also known as c.1935T>A), located in coding exon 15 of the BUB1B gene, results from a T to A substitution at nucleotide position 1935. The aspartic acid at codon 645 is replaced by glutamic acid, an amino acid with highly similar properties. This amino acid position is conserved. In addition, this alteration is predicted to be tolerated by in silico analysis. Since supporting evidence is limited at this time, the clinical significance of this alteration remains unclear.